The following is an entry in ClinVar:

ClinVar aggregate classification (germline): Uncertain significance. Review status: criteria provided, single submitter (1 of 4 stars). 2 submissions from 2 submitters: Uncertain significance (1). 1 of the submissions does not count toward it. Last evaluated 2022-02-04.

Conditions:
Multiple acyl-CoA dehydrogenase deficiency (MADD). Also called: ETHYLMALONIC-ADIPICACIDURIA; GA II; Glutaric Acidemia type 2; Glutaric aciduria, type 2; Glutaric acidemia type II; GA 2. Identifiers: Orphanet 26791, MedGen C0268596, MONDO:0009282, OMIM 231680.

Allele frequency attached by ClinVar (database versions not stated): gnomAD exomes below 0.00001; TOPMed below 0.00001; ExAC 0.00001; gnomAD 0.00001.
gnomAD v4.1: 8 of 1,613,792 alleles (0.0005%); highest among the groups gnomAD compares: Middle Eastern, 0.033%; no homozygotes.

Submissions (2):

Labcorp Genetics (formerly Invitae), Labcorp
Classification: Uncertain significance for Multiple acyl-CoA dehydrogenase deficiency. Last evaluated: 2022-02-04. Review status: criteria provided, single submitter. Criteria: Invitae Variant Classification Sherloc (09022015). Collection method: clinical testing. Allele origin: germline.
Comment: This sequence change replaces glycine, which is neutral and non-polar, with glutamic acid, which is acidic and polar, at codon 170 of the ETFA protein (p.Gly170Glu). This variant is present in population databases (rs780998008, gnomAD 0.0009%). This variant has not been reported in the literature in individuals affected with ETFA-related conditions. ClinVar contains an entry for this variant (Variation ID: 641837). Algorithms developed to predict the effect of missense changes on protein structure and function are either unavailable or do not agree on the potential impact of this missense change (SIFT: "Deleterious"; PolyPhen-2: "Probably Damaging"; Align-GVGD: "Class C0"). In summary, the available evidence is currently insufficient to determine the role of this variant in disease. Therefore, it has been classified as a Variant of Uncertain Significance.

Natera, Inc.
Classification: Uncertain significance for Glutaric aciduria type 2. Last evaluated: 2020-04-19. Review status: no assertion criteria provided. Collection method: clinical testing. Allele origin: germline. Not counted in ClinVar's aggregate classification.

NM_000126.4(ETFA):c.509G>A (p.Gly170Glu)

Gene: ETFA (electron transfer flavoprotein subunit alpha; minus strand). Cytogenetic location: 15q24.2.
Variant type: single nucleotide variant.
Coding change: c.509G>A on transcript NM_000126.4 (MANE Select); coding-DNA position 509, G replaced by A.
Protein change: p.Gly170Glu; replaces glycine 170 with glutamic acid.
Molecular consequence: missense variant.
Genome position (GRCh38, 1-based): chr15:76,286,424, C>T on the plus strand (G>A on the coding strand, the complement: ETFA is on the minus strand). VCF-style: chr15-76286424-C-T. GRCh37 (hg19) VCF-style: chr15-76578765-C-T.
Other names: c.362G>A, p.Gly121Glu (NM_001127716.2); short protein forms G170E, G121E.
Identifiers: ClinVar variation 641837 (VCV000641837.4), dbSNP rs780998008, ClinGen allele CA7673742.